The following is an entry in ClinVar:

ClinVar aggregate classification (germline): Pathogenic. Review status: criteria provided, multiple submitters, no conflicts (2 of 4 stars). 6 submissions from 6 submitters: Pathogenic (6). Last evaluated 2026-05-22.

Conditions:
Rare genetic deafness. Identifiers: Orphanet 96210, MedGen C5680250.
MYO15A-related disorder. Also called: MYO15A-related condition.
Autosomal recessive nonsyndromic hearing loss 3. Also called: NEUROSENSORY NONSYNDROMIC RECESSIVE DEAFNESS 3. Identifiers: Orphanet 90636, MedGen C1838263, MONDO:0010860, OMIM 600316.

Submissions (6):

PreventionGenetics, part of Exact Sciences
Classification: Pathogenic for MYO15A-related condition. Last evaluated: 2026-05-22. Review status: criteria provided, single submitter. Criteria: ACMG Guidelines, 2015. Collection method: clinical testing. Allele origin: germline.
Comment: The MYO15A c.7226delC variant is predicted to result in a frameshift and premature protein termination (p.Pro2409Glnfs*8). This variant was reported, in the heterozygous state along with a missense variant or in the homozygous state, in two unrelated individuals with hearing loss (Bademci et al. 2016. PubMed ID: 26226137; Peart et al. 2023. PubMed ID: 37996878). This variant is reported in 0.0085% of alleles in individuals of Latino descent in gnomAD. Frameshift variants in MYO15A are expected to be pathogenic. This variant is interpreted as pathogenic.

Variantyx, Inc.
Classification: Pathogenic for Autosomal recessive nonsyndromic hearing loss 3. Last evaluated: 2025-11-24. Review status: criteria provided, single submitter. Criteria: Variantyx Assertion Criteria 2022. Collection method: clinical testing. Allele origin: germline. Inheritance: Autosomal recessive inheritance. Affected: yes.
Comment: This is a frameshift variant in the MYO15A gene (OMIM: 602666). Pathogenic variants in this gene have been associated with autosomal recessive deafness 3. This variant introduces a premature termination codon in exon 36 out of 66 and is expected to result in loss of function, which is a known disease mechanism for MYO15A in this disorder (PMID:9603736;17851452) (PVS1). This variant has been identified in the homozygous or compound heterozygous state in at least three individuals reported in the published literature (PMID: 26226137, 27344577, 37996878) (PM3_Strong). It has a 0.0666% maximum allele frequency in non-founder control populations. Based on the current evidence, this variant is classified as pathogenic for autosomal recessive deafness 3.

Labcorp Genetics (formerly Invitae), Labcorp
Classification: Pathogenic. Last evaluated: 2025-11-19. Review status: criteria provided, single submitter. Criteria: Invitae Variant Classification Sherloc (09022015). Collection method: clinical testing. Allele origin: germline.
Comment: This sequence change creates a premature translational stop signal (p.Pro2409Glnfs*8) in the MYO15A gene. It is expected to result in an absent or disrupted protein product. Loss-of-function variants in MYO15A are known to be pathogenic (PMID: 17546645). This variant is present in population databases (rs759151127, gnomAD 0.009%). This premature translational stop signal has been observed in individual(s) with nonsyndromic deafness (PMID: 26226137). ClinVar contains an entry for this variant (Variation ID: 164548). For these reasons, this variant has been classified as Pathogenic.

Women's Health and Genetics/Laboratory Corporation of America, LabCorp
Classification: Pathogenic for Autosomal recessive nonsyndromic hearing loss 3. Last evaluated: 2024-09-20. Review status: criteria provided, single submitter. Criteria: LabCorp Variant Classification Summary - May 2015. Collection method: clinical testing. Allele origin: germline.
Comment: Variant summary: MYO15A c.7226delC (p.Pro2409GlnfsX8) results in a premature termination codon, predicted to cause a truncation of the encoded protein or absence of the protein due to nonsense mediated decay, which are commonly known mechanisms for disease. The variant allele was found at a frequency of 1.6e-05 in 249480 control chromosomes (gnomAD). c.7226delC has been reported in the literature in at least an individual affected with autosomal recessive non-syndromic hearing loss (example: Wang_2021). The following publication has been ascertained in the context of this evaluation (PMID: 34744965). ClinVar contains an entry for this variant (Variation ID: 164548). Based on the evidence outlined above, the variant was classified as pathogenic.

GeneDx
Classification: Pathogenic. Last evaluated: 2022-07-22. Review status: criteria provided, single submitter. Criteria: GeneDx Variant Classification Process June 2021. Collection method: clinical testing. Allele origin: germline. Affected: yes.
Comment: Frameshift variant predicted to result in protein truncation or nonsense mediated decay in a gene for which loss-of-function is a known mechanism of disease; This variant is associated with the following publications: (PMID: 27344577, 34652575, 26226137)

Laboratory for Molecular Medicine, Mass General Brigham Personalized Medicine
Classification: Pathogenic for Rare genetic deafness. Last evaluated: 2019-02-26. Review status: criteria provided, single submitter. Criteria: LMM Criteria. Collection method: clinical testing. Allele origin: germline. Inheritance: Autosomal recessive inheritance. Observed: 5 variant alleles.
Comment: The p.Pro2409fs variant in MYO15A has been previously reported by our laboratory in 3 individuals with hearing loss. It has also been identified in 0.008% (3/35356) of Latino chromosomes by gnomAD; however, this frequency is low enough to be consistent with a recessive carrier frequency. This variant is predicted to cause a frameshift, which alters the proteinâ€™s amino acid sequence beginning at position 2409 and leads to a premature termination codon 8 amino acids downstream. This alteration is then predicted to lead to a truncated or absent protein. In summary, this variant meets criteria to be classified as pathogenic for autosomal recessive hearing loss. ACMG/AMP Criteria applied: PVS1, PM3, PM2_Supporting.

Literature cited by the submitters: PubMed 27344577 (cited by Variantyx, Inc.); PubMed 37996878 (cited by Variantyx, Inc.); PubMed 26226137 (cited by Variantyx, Inc. and Labcorp Genetics (formerly Invitae), Labcorp); PubMed 17546645 (cited by Labcorp Genetics (formerly Invitae), Labcorp); PubMed 34744965 (cited by Women's Health and Genetics/Laboratory Corporation of America, LabCorp).

NM_016239.4(MYO15A):c.7226del (p.Pro2409fs)

Gene: MYO15A (myosin XVA; plus strand). Cytogenetic location: 17p11.2.
Variant type: Deletion.
Coding change: c.7226del on transcript NM_016239.4 (MANE Select); coding-DNA position 7226, one base deleted (C; older notation c.7226delC).
Protein change: p.Pro2409fs; shifts the reading frame from proline 2409.
Molecular consequence: frameshift variant.
Genome position (GRCh38, 1-based): chr17:18,150,442, C deleted; the last of 2 consecutive C bases (chr17:18,150,441-18,150,442); deleting either gives the same sequence. VCF-style (leftmost placement, unchanged base first): chr17-18150440-GC-G. GRCh37 (hg19) VCF-style: chr17-18053754-GC-G.
Other names: c.7226delC (NM_016239.3, NM_016239.4); short protein forms P2409fs.
Identifiers: ClinVar variation 164548 (VCV000164548.17), dbSNP rs727503315, ClinGen allele CA273205.
Genomic context (GRCh38, chr17:18,150,440, plus strand): 5'-TTGGGAGTACAATAATGAGATGGTCACTTGAGCCACCCACTGCCCCCAGGACCTGGAGAA[GC>G]CAACAGCCATTGCCTACCGCATGAAAGGGGGAGGCCAGCCCGGTGGAGGCAGCAGTAGTG-3'